The following is an entry in ClinVar:

ClinVar aggregate classification (germline): Benign/Likely benign. Review status: criteria provided, multiple submitters, no conflicts (2 of 4 stars). 4 submissions from 4 submitters: Benign (3); Likely benign (1). Last evaluated 2026-01-29.

Conditions:
Emery-Dreifuss muscular dystrophy 5, autosomal dominant (EDMD5). Also called: EMERY-DREIFUSS MUSCULAR DYSTROPHY 5. Identifiers: Orphanet 261, MedGen C2751805, MONDO:0013072, OMIM 612999.

Allele frequency attached by ClinVar (database versions not stated): gnomAD 0.00057 and 0.00002; gnomAD exomes 0.00079 and 0.00164; ExAC 0.00203; 1000 Genomes Project 30x 0.00359; 1000 Genomes Project 0.00379; TOPMed 0.00006.
gnomAD v4.1: 1,249 of 1,614,000 alleles (0.077%); highest among the groups gnomAD compares: South Asian, 1.3%; 18 homozygotes.

Submissions (4):

Labcorp Genetics (formerly Invitae), Labcorp
Classification: Benign for Emery-Dreifuss muscular dystrophy 5, autosomal dominant. Last evaluated: 2026-01-29. Review status: criteria provided, single submitter. Criteria: Invitae Variant Classification Sherloc (09022015). Collection method: clinical testing. Allele origin: germline.

Blueprint Genetics
Classification: Likely benign. Last evaluated: 2024-11-21. Review status: criteria provided, single submitter. Criteria: ACMG Guidelines, 2015. Collection method: clinical testing. Allele origin: germline.

CeGaT Center for Human Genetics Tuebingen
Classification: Benign. Last evaluated: 2022-11-01. Review status: criteria provided, single submitter. Criteria: CeGaT Center For Human Genetics Tuebingen Variant Classification Criteria Version 2. Collection method: clinical testing. Allele origin: germline. Affected: yes. Observed: 1 variant allele.
Comment: SYNE2: BP4, BP7, BS1, BS2

Illumina Laboratory Services, Illumina
Classification: Benign for Emery-Dreifuss muscular dystrophy 5, autosomal dominant. Last evaluated: 2018-01-13. Review status: criteria provided, single submitter. Criteria: ICSL Variant Classification Criteria 13 December 2019. Collection method: clinical testing. Allele origin: germline.
Comment: This variant was observed in the ICSL laboratory as part of a predisposition screen in an ostensibly healthy population. It had not been previously curated by ICSL or reported in the Human Gene Mutation Database (HGMD: prior to June 1st, 2018), and was therefore a candidate for classification through an automated scoring system. Utilizing variant allele frequency, disease prevalence and penetrance estimates, and inheritance mode, an automated score was calculated to assess if this variant is too frequent to cause the disease. Based on the score and internal cut-off values, a variant classified as benign is not then subjected to further curation. The score for this variant resulted in a classification of benign for this disease.

NM_182914.3(SYNE2):c.4614A>G (p.Lys1538=)

Gene: SYNE2 (spectrin repeat containing nuclear envelope protein 2; plus strand). Cytogenetic location: 14q23.2.
Variant type: single nucleotide variant.
Coding change: c.4614A>G on transcript NM_182914.3 (MANE Select); coding-DNA position 4614, A replaced by G.
Protein change: p.Lys1538=; no amino-acid change (lysine 1538 retained).
Molecular consequence: synonymous variant.
Genome position (GRCh38, 1-based): chr14:64,010,002, A>G. VCF-style: chr14-64010002-A-G. GRCh37 (hg19) VCF-style: chr14-64476720-A-G.
Other names: c.4614A>G, p.Lys1538= (NM_015180.6).
Identifiers: ClinVar variation 313508 (VCV000313508.40), dbSNP rs572672283, ClinGen allele CA7220265.
Genomic context (GRCh38, chr14:64,010,002, plus strand): 5'-TATTGTATATTTTTCTATTCTTAGTCTTGAACAATGTGGGAGAGTTTTGGAGCTCTTAAA[A>G]CAATATCAGAATTTTAAAAGCATCTTGACAACTTTGATTCAAAAAGAAGAGAGTGTCATC-3'
Protein context (NP_878918.2, residues 1528-1548): EQCGRVLELL[Lys1538=]QYQNFKSILT